The following is an entry in ClinVar:

ClinVar aggregate classification (germline): Uncertain significance (1 of 4 stars; one submission).

Allele frequency attached by ClinVar (database versions not stated): gnomAD exomes below 0.00001; TOPMed below 0.00001; ExAC 0.00001; gnomAD 0.00001.
gnomAD v4.1: 2 of 1,608,964 alleles (0.00012%); highest among the groups gnomAD compares: Non-Finnish European, 0.00017%; no homozygotes.

Submission:

Labcorp Genetics (formerly Invitae), Labcorp
Classification: Uncertain significance. Last evaluated: 2022-06-05. Review status: criteria provided, single submitter. Criteria: Invitae Variant Classification Sherloc (09022015). Collection method: clinical testing. Allele origin: germline.
Comment: This sequence change replaces glutamic acid, which is acidic and polar, with valine, which is neutral and non-polar, at codon 808 of the LRRC8A protein (p.Glu808Val). This variant is not present in population databases (gnomAD no frequency). This variant has not been reported in the literature in individuals affected with LRRC8A-related conditions. ClinVar contains an entry for this variant (Variation ID: 1394533). Algorithms developed to predict the effect of missense changes on protein structure and function are either unavailable or do not agree on the potential impact of this missense change (SIFT: "Deleterious"; PolyPhen-2: "Probably Damaging"; Align-GVGD: "Class C0"). Algorithms developed to predict the effect of sequence changes on RNA splicing suggest that this variant may create or strengthen a splice site. In summary, the available evidence is currently insufficient to determine the role of this variant in disease. Therefore, it has been classified as a Variant of Uncertain Significance.

NM_019594.4(LRRC8A):c.2423A>T (p.Glu808Val)

Gene: LRRC8A (leucine rich repeat containing 8 VRAC subunit A; plus strand). Cytogenetic location: 9q34.11.
Variant type: single nucleotide variant.
Coding change: c.2423A>T on transcript NM_019594.4 (MANE Select); coding-DNA position 2423, A replaced by T.
Protein change: p.Glu808Val; replaces glutamic acid 808 with valine.
Molecular consequence: missense variant.
Genome position (GRCh38, 1-based): chr9:128,916,361, A>T. VCF-style: chr9-128916361-A-T. GRCh37 (hg19) VCF-style: chr9-131678640-A-T.
Other names: c.2423A>T, p.Glu808Val (NM_001127244.2, NM_001127245.2); short protein forms E808V.
Identifiers: ClinVar variation 1394533 (VCV001394533.6), dbSNP rs747449292, ClinGen allele CA5271090.